The following is an entry in ClinVar:

ClinVar aggregate classification (germline): Pathogenic (3 of 4 stars; one submission).

Conditions:
Monogenic diabetes. Identifiers: Orphanet 183625, MedGen C3888631, MONDO:0015967.

Submission:

ClinGen Monogenic Diabetes Variant Curation Expert Panel
Classification: Pathogenic for Monogenic diabetes. Last evaluated: 2022-04-16. Review status: reviewed by expert panel. Criteria: ClinGen Diabetes ACMG Specifications v1 1. Collection method: curation. Allele origin: germline. Inheritance: Autosomal dominant inheritance.
Comment: The c.1137dup variant in the HNF1 homeobox A gene, HNF1A, causes a frameshift in the protein at codon 380 (NM_000545.8), adding 39 novel amino acids before encountering a stop codon (p.(Val380CysfsTer39)). This variant, located in biologically-relevant exon 6 of 10, is predicted to lead to nonsense mediated decay in a gene in which loss-of-function is an established disease mechanism (PVS1; PMID: 23348805). Also, this variant is absent from gnomAD v2.1.1 (PM2_Supporting). This variant segregated with diabetes, with four informative meioses in two families with MODY (PP1_Strong; PMID: 32741144, internal lab contributors). This variant was identified in two unrelated individuals with non-autoimmune and non-absolute/near-absolute insulin-deficient diabetes; however, PS4_Moderate cannot be applied because this number is below the ClinGen MDEP threshold (PMID: 32741144, internal lab contributors). Neither met the ClinGen MDEP criteria for PP4. In summary, c.1137dup meets the criteria to be classified as pathogenic for monogenic diabetes. ACMG/AMP criteria applied, as specified by the ClinGen MDEP (specification version 1.1, approved 9/30/2021): PVS1, PM2_Supporting, PP1_Strong.

NM_000545.8(HNF1A):c.1137dup (p.Val380fs)

Gene: HNF1A (HNF1 homeobox A; plus strand). Cytogenetic location: 12q24.31.
Variant type: Duplication.
Coding change: c.1137dup on transcript NM_000545.8 (MANE Select); coding-DNA position 1137, one base duplicated (T; older notation c.1137dupT).
Protein change: p.Val380fs; shifts the reading frame from valine 380.
Molecular consequence: frameshift variant.
Genome position (GRCh38, 1-based): chr12:120,996,570, T duplicated. VCF-style (leftmost placement, unchanged base first): chr12-120996569-C-CT. GRCh37 (hg19) VCF-style: chr12-121434372-C-CT.
Other names: NM_001306179.2:c.1137dup; c.1137dup, p.Val380fs (NM_001306179.2); short protein forms V380fs.
Identifiers: ClinVar variation 1687079 (VCV001687079.3), dbSNP rs2135845908, ClinGen allele CA916084342.